The following is an entry in ClinVar:

NM_000891.3(KCNJ2):c.4G>C (p.Gly2Arg)

Gene: KCNJ2 (potassium inwardly rectifying channel subfamily J member 2; plus strand). Cytogenetic location: 17q24.3.
Variant type: single nucleotide variant.
Coding change: c.4G>C on transcript NM_000891.3 (MANE Select); coding-DNA position 4, G replaced by C.
Protein change: p.Gly2Arg; replaces glycine 2 with arginine.
Molecular consequence: missense variant.
Genome position (GRCh38, 1-based): chr17:70,175,043, G>C. VCF-style: chr17-70175043-G-C. GRCh37 (hg19) VCF-style: chr17-68171184-G-C.
Other names: short protein forms G2R.
Identifiers: ClinVar variation 2928993 (VCV002928993.3), dbSNP rs2509920681, ClinGen allele CA400859469.

ClinVar aggregate classification (germline): Uncertain significance (1 of 4 stars; one submission).

Conditions:
Andersen Tawil syndrome (LQT7). Also called: Potassium-sensitive periodic paralysis, ventricular ectopy, and dysmorphic features; ANDERSEN CARDIODYSRHYTHMIC PERIODIC PARALYSIS; LONG QT SYNDROME 7; PERIODIC PARALYSIS, POTASSIUM-SENSITIVE CARDIODYSRHYTHMIC TYPE; Andersen Syndrome. Identifiers: Orphanet 37553, MedGen C1563715, MONDO:0008222, OMIM 170390.
Short QT syndrome type 3. Identifiers: Orphanet 51083, MedGen C1865018, MONDO:0012314, OMIM 609622.

Submission:

Labcorp Genetics (formerly Invitae), Labcorp
Classification: Uncertain significance for Short QT syndrome type 3; Andersen Tawil syndrome. Last evaluated: 2023-05-31. Review status: criteria provided, single submitter. Criteria: Invitae Variant Classification Sherloc (09022015). Collection method: clinical testing. Allele origin: germline.
Comment: In summary, the available evidence is currently insufficient to determine the role of this variant in disease. Therefore, it has been classified as a Variant of Uncertain Significance. An algorithm developed to predict the effect of missense changes on protein structure and function (PolyPhen-2) suggests that this variant is likely to be tolerated. This variant has not been reported in the literature in individuals affected with KCNJ2-related conditions. This variant is not present in population databases (gnomAD no frequency). This sequence change replaces glycine, which is neutral and non-polar, with arginine, which is basic and polar, at codon 2 of the KCNJ2 protein (p.Gly2Arg).